The following is an entry in ClinVar:

ClinVar aggregate classification (germline): Uncertain significance. Review status: criteria provided, multiple submitters, no conflicts (2 of 4 stars). 2 submissions from 2 submitters: Uncertain significance (2). Last evaluated 2025-08-07.

Conditions:
Inborn genetic diseases. Identifiers: MedGen C0950123, MeSH D030342.

gnomAD v4.1: 1 of 1,612,430 alleles (0.000062%); no homozygotes.

Submissions (2):

Ambry Genetics
Classification: Uncertain significance for Inborn genetic diseases. Last evaluated: 2025-08-07. Review status: criteria provided, single submitter. Criteria: Ambry Variant Classification Scheme 2023. Collection method: clinical testing. Allele origin: germline.

GeneDx
Classification: Uncertain significance. Last evaluated: 2023-06-26. Review status: criteria provided, single submitter. Criteria: GeneDx Variant Classification Process June 2021. Collection method: clinical testing. Allele origin: germline. Affected: yes.
Comment: Not observed at significant frequency in large population cohorts (gnomAD); In silico analysis supports that this missense variant does not alter protein structure/function; Has not been previously published as pathogenic or benign to our knowledge

NM_178857.6(RP1L1):c.4928T>C (p.Leu1643Pro)

Gene: RP1L1 (RP1 like 1). Cytogenetic location: 8p23.1.
Variant type: single nucleotide variant.
Coding change: c.4928T>C on transcript NM_178857.6 (MANE Select); coding-DNA position 4928, T replaced by C.
Protein change: p.Leu1643Pro; replaces leucine 1643 with proline.
Molecular consequence: missense variant.
Genome position (GRCh38, 1-based): chr8:10,609,170, A>G on the plus strand (T>C on the coding strand, the complement: RP1L1 is on the minus strand). VCF-style: chr8-10609170-A-G. GRCh37 (hg19) VCF-style: chr8-10466680-A-G.
Other names: short protein forms L1643P.
Identifiers: ClinVar variation 3360456 (VCV003360456.2).